The following is an entry in ClinVar:

ClinVar aggregate classification (germline): Uncertain significance (1 of 4 stars; one submission).

Conditions:
Autosomal recessive limb-girdle muscular dystrophy type 2J (LGMDR10). Also called: Limb-girdle muscular dystrophy, type 2J; MUSCULAR DYSTROPHY, LIMB-GIRDLE, AUTOSOMAL RECESSIVE 10. Identifiers: Orphanet 140922, MedGen C1837342, MONDO:0012127, OMIM 608807.
Dilated cardiomyopathy 1G (CMD1G). Identifiers: Orphanet 154, MedGen C1858763, MONDO:0011400, OMIM 604145.

Allele frequency attached by ClinVar (database versions not stated): gnomAD exomes below 0.00001; gnomAD 0.00001.
gnomAD v4.1: 2 of 1,613,874 alleles (0.00012%); highest among the groups gnomAD compares: East Asian, 0.0045%; no homozygotes.

Submission:

Labcorp Genetics (formerly Invitae), Labcorp
Classification: Uncertain significance for Dilated cardiomyopathy 1G; Autosomal recessive limb-girdle muscular dystrophy type 2J. Last evaluated: 2022-12-26. Review status: criteria provided, single submitter. Criteria: Invitae Variant Classification Sherloc (09022015). Collection method: clinical testing. Allele origin: germline.
Comment: This variant is located in the M band of TTN (PMID: 25589632). Variants in this region may be relevant for neuromuscular disorders, but have not been definitively shown to cause cardiomyopathy (PMID: 23975875). In summary, the available evidence is currently insufficient to determine the role of this variant in disease. Therefore, it has been classified as a Variant of Uncertain Significance. Algorithms developed to predict the effect of missense changes on protein structure and function output the following: SIFT: "Not Available"; PolyPhen-2: "Not Available"; Align-GVGD: "Not Available". The methionine amino acid residue is found in multiple mammalian species, which suggests that this missense change does not adversely affect protein function. This variant has not been reported in the literature in individuals affected with TTN-related conditions. This variant is not present in population databases (gnomAD no frequency). This sequence change replaces valine, which is neutral and non-polar, with methionine, which is neutral and non-polar, at codon 34719 of the TTN protein (p.Val34719Met).

Literature cited by the submitters: PubMed 25589632; PubMed 23975875.

NM_001267550.2(TTN):c.104155G>A (p.Val34719Met)

Genes: TTN (titin; minus strand), TTN-AS1 (TTN antisense RNA 1; plus strand). Cytogenetic location: 2q31.2.
Variant type: single nucleotide variant.
Coding change: c.104155G>A on transcript NM_001267550.2 (MANE Select); coding-DNA position 104155, G replaced by A.
Protein change: p.Val34719Met; replaces valine 34719 with methionine.
Molecular consequence: missense variant.
Genome position (GRCh38, 1-based): chr2:178,532,460, C>T on the plus strand (G>A on the coding strand, the complement: TTN is on the minus strand). VCF-style: chr2-178532460-C-T. GRCh37 (hg19) VCF-style: chr2-179397187-C-T.
Other names: c.99232G>A, p.Val33078Met (NM_001256850.1); c.76960G>A, p.Val25654Met (NM_003319.4); c.96451G>A, p.Val32151Met (NM_133378.4); c.77335G>A, p.Val25779Met (NM_133432.3); c.77536G>A, p.Val25846Met (NM_133437.4); short protein forms V25654M, V25846M, V25779M, V34719M, V32151M, V33078M.
Identifiers: ClinVar variation 2933367 (VCV002933367.3), dbSNP rs2468452769, ClinGen allele CA349412354.